The following is an entry in ClinVar:

NM_032608.7(MYO18B):c.7416C>T (p.Ser2472=)

Gene: MYO18B (myosin XVIIIB; plus strand). Cytogenetic location: 22q12.1.
Variant type: single nucleotide variant.
Coding change: c.7416C>T on transcript NM_032608.7 (MANE Select); coding-DNA position 7416, C replaced by T.
Protein change: p.Ser2472=; no amino-acid change (serine 2472 retained).
Molecular consequence: synonymous variant.
Genome position (GRCh38, 1-based): chr22:26,027,390, C>T. VCF-style: chr22-26027390-C-T. GRCh37 (hg19) VCF-style: chr22-26423356-C-T.
Other names: c.7419C>T, p.Ser2473= (NM_001318245.2).
Identifiers: ClinVar variation 735995 (VCV000735995.16), dbSNP rs143197648, ClinGen allele CA10161771.
Genomic context (GRCh38, chr22:26,027,390, plus strand): 5'-GACACCTACCTCCTTGGCTGGATCAGCCAAAGGTGGGCAAGACGGTTCACAGCGTTCAAG[C>T]ATCCACTTTGAAACGGAAGAGGCTAACCGTTCCTTTCTCTCGGGGATCAAGACCATTTTG-3'
Protein context (NP_115997.5, residues 2462-2482): KGGQDGSQRS[Ser2472=]IHFETEEANR

ClinVar aggregate classification (germline): Benign/Likely benign. Review status: criteria provided, multiple submitters, no conflicts (2 of 4 stars). 5 submissions from 5 submitters: Benign (2); Likely benign (2). 1 of the submissions does not count toward it. Last evaluated 2026-06-01.

Conditions:
MYO18B-related disorder. Also called: MYO18B-related condition.

Allele frequency attached by ClinVar (database versions not stated): gnomAD exomes 0.00027; ExAC 0.00035; 1000 Genomes Project 30x 0.00078; 1000 Genomes Project 0.00100; gnomAD 0.00114 and 0.00123; TOPMed 0.00119; ESP Exome Variant Server 0.00138.
gnomAD v4.1: 326 of 1,613,998 alleles (0.02%); highest among the groups gnomAD compares: African/African-American, 0.38%; no homozygotes.

Submissions (5):

CeGaT Center for Human Genetics Tuebingen
Classification: Likely benign. Last evaluated: 2026-06-01. Review status: criteria provided, single submitter. Criteria: CeGaT Center For Human Genetics Tuebingen Variant Classification Criteria Version 2. Collection method: clinical testing. Allele origin: germline. Affected: yes. Observed: 1 variant allele.
Comment: MYO18B: BP4, BP7

Labcorp Genetics (formerly Invitae), Labcorp
Classification: Benign. Last evaluated: 2026-01-27. Review status: criteria provided, single submitter. Criteria: Invitae Variant Classification Sherloc (09022015). Collection method: clinical testing. Allele origin: germline.

Blueprint Genetics
Classification: Likely benign. Last evaluated: 2024-08-06. Review status: criteria provided, single submitter. Criteria: ACMG Guidelines, 2015. Collection method: clinical testing. Allele origin: germline.

Breakthrough Genomics
Classification: Benign. Review status: criteria provided, single submitter. Criteria: ACMG Guidelines, 2015. Collection method: not provided. Allele origin: germline. Inheritance: Autosomal recessive inheritance. Affected: yes.

PreventionGenetics, part of Exact Sciences
Classification: Likely benign for MYO18B-related condition. Last evaluated: 2019-07-19. Review status: no assertion criteria provided. Collection method: clinical testing. Allele origin: germline. Not counted in ClinVar's aggregate classification.
Comment: This variant is classified as likely benign based on ACMG/AMP sequence variant interpretation guidelines (Richards et al. 2015 PMID: 25741868, with internal and published modifications).